The following is an entry in ClinVar:

ClinVar aggregate classification (germline): Likely benign. Review status: criteria provided, multiple submitters, no conflicts (2 of 4 stars). 3 submissions from 3 submitters: Likely benign (3). Last evaluated 2022-12-27.

Conditions:
Ehlers-Danlos syndrome, type 4 (EDSVASC). Also called: Ehlers-Danlos Syndrome Type IV; Ehlers-Danlos syndrome vascular type; Ehlers Danlos syndrome, ecchymotic type; Ehlers Danlos syndrome, arterial type; Ehlers Danlos syndrome, Sack-Barabas type. Identifiers: Orphanet 286, MedGen C0268338, MONDO:0017314, OMIM 130050.
Familial thoracic aortic aneurysm and aortic dissection (TAAD). Also called: Thoracic aortic aneurysms and dissections. Identifiers: Orphanet 91387, MedGen C4707243, MONDO:0019625.

Allele frequency attached by ClinVar (database versions not stated): gnomAD exomes below 0.00001.
gnomAD v4.1: 1 of 1,614,172 alleles (0.000062%); highest among the groups gnomAD compares: Non-Finnish European, 0.000085%; no homozygotes.

Submissions (3):

All of Us Research Program, National Institutes of Health
Classification: Likely benign for Ehlers-Danlos syndrome, type 4. Last evaluated: 2022-12-27. Review status: criteria provided, single submitter. Criteria: ACMG Guidelines, 2015. Collection method: clinical testing. Allele origin: germline. Inheritance: Autosomal dominant inheritance. Observed: 1 variant allele, 1 heterozygote.
Comment: This study involves interpretation of variants in research participants for the purpose of population health screening. Participant phenotype was not available at the time of variant classification. Additional details can be found in publication PMID: 35346344, PMCID: PMC8962531

Ambry Genetics
Classification: Likely benign for Familial thoracic aortic aneurysm and aortic dissection. Last evaluated: 2021-08-02. Review status: criteria provided, single submitter. Criteria: Ambry Variant Classification Scheme 2023. Collection method: clinical testing. Allele origin: germline.

Color Diagnostics, LLC DBA Color Health
Classification: Likely benign for Familial thoracic aortic aneurysm and aortic dissection. Last evaluated: 2019-05-13. Review status: criteria provided, single submitter. Criteria: ACMG Guidelines, 2015. Collection method: clinical testing. Allele origin: germline.

NM_000090.4(COL3A1):c.3882T>C (p.Cys1294=)

Gene: COL3A1 (collagen type III alpha 1 chain; plus strand). Cytogenetic location: 2q32.2.
Variant type: single nucleotide variant.
Coding change: c.3882T>C on transcript NM_000090.4 (MANE Select); coding-DNA position 3882, T replaced by C.
Protein change: p.Cys1294=; no amino-acid change (cysteine 1294 retained).
Molecular consequence: synonymous variant.
Genome position (GRCh38, 1-based): chr2:189,010,236, T>C. VCF-style: chr2-189010236-T-C. GRCh37 (hg19) VCF-style: chr2-189874962-T-C.
Identifiers: ClinVar variation 922082 (VCV000922082.5), dbSNP rs1033051824, ClinGen allele CA62563773.